The following is an entry in ClinVar:

NM_001164508.2(NEB):c.5086A>G (p.Ile1696Val)

Gene: NEB (nebulin; minus strand). Cytogenetic location: 2q23.3.
Variant type: single nucleotide variant.
Coding change: c.5086A>G on transcript NM_001164508.2 (MANE Select); coding-DNA position 5086, A replaced by G.
Protein change: p.Ile1696Val; replaces isoleucine 1696 with valine.
Molecular consequence: missense variant.
Genome position (GRCh38, 1-based): chr2:151,665,485, T>C on the plus strand (A>G on the coding strand, the complement: NEB is on the minus strand). VCF-style: chr2-151665485-T-C. GRCh37 (hg19) VCF-style: chr2-152521999-T-C.
Other names: p.Ile1696Val; c.5086A>G, p.Ile1696Val (NM_001164507.2, NM_001271208.2, NM_004543.5); short protein forms I1696V.
Identifiers: ClinVar variation 2039926 (VCV002039926.5), dbSNP rs759269094, ClinGen allele CA1910448.

ClinVar aggregate classification (germline): Conflicting classifications of pathogenicity. Review status: criteria provided, conflicting classifications (1 of 4 stars). 2 submissions from 2 submitters: Uncertain significance (1); Likely benign (1). Last evaluated 2024-05-13.

Conditions:
Nemaline myopathy 2 (NEM2). Also called: Nemaline myopathy 2, autosomal recessive. Identifiers: MedGen C1850569, MONDO:0009725, OMIM 256030.

Allele frequency attached by ClinVar (database versions not stated): TOPMed 0.00005; ExAC 0.00006; gnomAD 0.00003; gnomAD exomes 0.00007.
gnomAD v4.1: 99 of 1,612,592 alleles (0.0061%); highest among the groups gnomAD compares: East Asian, 0.031%; no homozygotes.

Submissions (2):

Labcorp Genetics (formerly Invitae), Labcorp
Classification: Likely benign for Nemaline myopathy 2. Last evaluated: 2024-05-13. Review status: criteria provided, single submitter. Criteria: Invitae Variant Classification Sherloc (09022015). Collection method: clinical testing. Allele origin: germline.

Mayo Clinic Laboratories, Mayo Clinic
Classification: Uncertain significance. Last evaluated: 2023-02-21. Review status: criteria provided, single submitter. Criteria: ACMG Guidelines, 2015. Collection method: clinical testing. Allele origin: germline. Observed: 1 variant allele.
Comment: BP4